The following is an entry in ClinVar:

NM_001350451.2(RBFOX3):c.970G>A (p.Ala324Thr)

Gene: RBFOX3 (RNA binding fox-1 homolog 3; minus strand). Cytogenetic location: 17q25.3.
Variant type: single nucleotide variant.
Coding change: c.970G>A on transcript NM_001350451.2 (MANE Select); coding-DNA position 970, G replaced by A.
Protein change: p.Ala324Thr; replaces alanine 324 with threonine.
Molecular consequence: missense variant.
Genome position (GRCh38, 1-based): chr17:79,095,541, C>T on the plus strand (G>A on the coding strand, the complement: RBFOX3 is on the minus strand). VCF-style: chr17-79095541-C-T. GRCh37 (hg19) VCF-style: chr17-77091623-C-T.
Other names: c.829G>A (NM_001082575.1); c.829G>A, p.Ala277Thr (NM_001082575.3, NM_001350453.2, NM_001385825.1 and 16 more transcripts); c.970G>A, p.Ala324Thr (NM_001385804.1, NM_001385805.1, NM_001385807.1 and 14 more transcripts); c.967G>A, p.Ala323Thr (NM_001385806.1, NM_001385822.1, NM_001385823.1); c.877G>A, p.Ala293Thr (NM_001385824.1); c.850G>A, p.Ala284Thr (NM_001385827.1); c.826G>A, p.Ala276Thr (NM_001385843.1, NM_001385844.1, NM_001385845.1 and 1 more transcripts); c.682G>A, p.Ala228Thr (NM_001385847.1); short protein forms A324T, A277T, A228T, A276T, A284T, A293T, A323T.
Identifiers: ClinVar variation 697281 (VCV000697281.14), dbSNP rs112978510, ClinGen allele CA8810230.

ClinVar aggregate classification (germline): Conflicting classifications of pathogenicity. Review status: criteria provided, conflicting classifications (1 of 4 stars). 3 submissions from 3 submitters: Uncertain significance (1); Likely benign (1). 1 of the submissions does not count toward it. Last evaluated 2026-01-26.

Conditions:
RBFOX3-related disorder. Also called: RBFOX3-related condition.
Idiopathic generalized epilepsy. Also called: EIG; Generalised epilepsy. Identifiers: MedGen C0270850, MONDO:0005579, OMIM 600669.

Allele frequency attached by ClinVar (database versions not stated): ExAC 0.00005; gnomAD 0.00014 and 0.00016; TOPMed 0.00019; gnomAD exomes 0.00022 and 0.00015; 1000 Genomes Project 30x 0.00047.

Submissions (3):

Labcorp Genetics (formerly Invitae), Labcorp
Classification: Likely benign for Idiopathic generalized epilepsy. Last evaluated: 2026-01-26. Review status: criteria provided, single submitter. Criteria: Invitae Variant Classification Sherloc (09022015). Collection method: clinical testing. Allele origin: germline.

Ambry Genetics
Classification: Uncertain significance. Last evaluated: 2023-12-22. Review status: criteria provided, single submitter. Criteria: Ambry Variant Classification Scheme 2023. Collection method: clinical testing. Allele origin: germline.

PreventionGenetics, part of Exact Sciences
Classification: Likely benign for RBFOX3-related condition. Last evaluated: 2023-09-15. Review status: no assertion criteria provided. Collection method: clinical testing. Allele origin: germline. Not counted in ClinVar's aggregate classification.
Comment: This variant is classified as likely benign based on ACMG/AMP sequence variant interpretation guidelines (Richards et al. 2015 PMID: 25741868, with internal and published modifications).